The following is an entry in ClinVar:

NM_000409.5(GUCA1ANB-GUCA1A):c.-472A>C

Genes: CIMIP3 (ciliary microtubule inner protein 3; plus strand), GUCA1A (guanylate cyclase activator 1A; plus strand), GUCA1ANB-GUCA1A (GUCA1ANB-GUCA1A readthrough; plus strand). Cytogenetic location: 6p21.1.
Variant type: single nucleotide variant.
Coding change: c.-472A>C on transcript NM_000409.5; 472 bases upstream of the start codon, A replaced by C.
Molecular consequence: 5 prime UTR variant. On other transcripts: missense variant (1), intron variant (1).
Genome position (GRCh38, 1-based): chr6:42,155,579, A>C. VCF-style: chr6-42155579-A-C. GRCh37 (hg19) VCF-style: chr6-42123317-A-C.
Other names: c.40A>C, p.Met14Leu (NM_001370581.1); c.-843A>C (NM_001319061.2); c.-296A>C (NM_001319062.2); c.9+94A>C (NM_001384994.1); short protein forms M14L.
Identifiers: ClinVar variation 356684 (VCV000356684.5), dbSNP rs1132156, ClinGen allele CA3805187.
Genomic context (GRCh38, chr6:42,155,579, plus strand): 5'-CTCGGGGTCACAAGAAGCCTGATGGGCAGGAAAGAGCATGAAAGCCCCAGCCAGCCTCAC[A>C]TGTGCGGCTGGGAGGTAGGTCCTCTTACAAAAGGCTTAGTTGGGTGCTGGTGCTGGTGCT-3'

ClinVar aggregate classification (germline): Benign (1 of 4 stars; one submission).

Conditions:
Cone dystrophy 3 (COD3). Also called: RETINAL CONE DYSTROPHY. Identifiers: Orphanet 1872, MedGen C1865869, MONDO:0011193, OMIM 602093.

Allele frequency attached by ClinVar (database versions not stated): TOPMed 0.66018; 1000 Genomes Project 30x 0.66287; 1000 Genomes Project 0.66773; gnomAD 0.67936; ExAC 0.69096; gnomAD exomes 0.71320 and 0.71955.
gnomAD v4.1: 507,574 of 717,070 alleles (71%); highest among the groups gnomAD compares: East Asian, 85%; 181,664 homozygotes.

Submission:

Illumina Laboratory Services, Illumina
Classification: Benign for Cone dystrophy 3. Last evaluated: 2018-01-12. Review status: criteria provided, single submitter. Criteria: ICSL Variant Classification Criteria 13 December 2019. Collection method: clinical testing. Allele origin: germline.
Comment: This variant was observed in the ICSL laboratory as part of a predisposition screen in an ostensibly healthy population. It had not been previously curated by ICSL or reported in the Human Gene Mutation Database (HGMD: prior to June 1st, 2018), and was therefore a candidate for classification through an automated scoring system. Utilizing variant allele frequency, disease prevalence and penetrance estimates, and inheritance mode, an automated score was calculated to assess if this variant is too frequent to cause the disease. Based on the score and internal cut-off values, a variant classified as benign is not then subjected to further curation. The score for this variant resulted in a classification of benign for this disease.